The following is an entry in ClinVar:

NM_017654.4(SAMD9):c.1723T>C (p.Cys575Arg)

Gene: SAMD9 (sterile alpha motif domain containing 9; minus strand). Cytogenetic location: 7q21.2.
Variant type: single nucleotide variant.
Coding change: c.1723T>C on transcript NM_017654.4 (MANE Select); coding-DNA position 1723, T replaced by C.
Protein change: p.Cys575Arg; replaces cysteine 575 with arginine.
Molecular consequence: missense variant.
Genome position (GRCh38, 1-based): chr7:93,104,375, A>G on the plus strand (T>C on the coding strand, the complement: SAMD9 is on the minus strand). VCF-style: chr7-93104375-A-G. GRCh37 (hg19) VCF-style: chr7-92733688-A-G.
Other names: c.1723T>C, p.Cys575Arg (NM_001193307.2); short protein forms C575R.
Identifiers: ClinVar variation 4629898 (VCV004629898.1).

ClinVar aggregate classification (germline): Uncertain significance (1 of 4 stars; one submission).

Conditions:
Inborn genetic diseases. Identifiers: MedGen C0950123, MeSH D030342.

gnomAD v4.1: 3 of 1,613,904 alleles (0.00019%); highest among the groups gnomAD compares: South Asian, 0.0033%; no homozygotes.

Submission:

Ambry Genetics
Classification: Uncertain significance for Inborn genetic diseases. Last evaluated: 2025-10-25. Review status: criteria provided, single submitter. Criteria: Ambry Variant Classification Scheme 2023. Collection method: clinical testing. Allele origin: germline.
Comment: The p.C575R variant (also known as c.1723T>C), located in coding exon 1 of the SAMD9 gene, results from a T to C substitution at nucleotide position 1723. The cysteine at codon 575 is replaced by arginine, an amino acid with highly dissimilar properties. This amino acid position is conserved. In addition, this alteration is predicted to be tolerated by in silico analysis. Based on the available evidence, the clinical significance of this variant remains unclear.